The following is an entry in ClinVar:

NM_000459.5(TEK):c.806G>T (p.Ser269Ile)

Gene: TEK (TEK receptor tyrosine kinase; plus strand). Cytogenetic location: 9p21.2.
Variant type: single nucleotide variant.
Coding change: c.806G>T on transcript NM_000459.5 (MANE Select); coding-DNA position 806, G replaced by T.
Protein change: p.Ser269Ile; replaces serine 269 with isoleucine.
Molecular consequence: missense variant.
Genome position (GRCh38, 1-based): chr9:27,173,267, G>T. VCF-style: chr9-27173267-G-T. GRCh37 (hg19) VCF-style: chr9-27173265-G-T.
Other names: c.806G>T, p.Ser269Ile (NM_001290077.2, NM_001375475.1, NM_001375476.1); c.494G>T, p.Ser165Ile (NM_001290078.2); short protein forms S165I, S269I.
Identifiers: ClinVar variation 2878534 (VCV002878534.3), dbSNP rs764047256, ClinGen allele CA5016024.

ClinVar aggregate classification (germline): Uncertain significance (1 of 4 stars; one submission).

Allele frequency attached by ClinVar (database versions not stated): gnomAD exomes 0.00001; ExAC 0.00002.
gnomAD v4.1: 4 of 1,614,100 alleles (0.00025%); highest among the groups gnomAD compares: Admixed American, 0.0067%; no homozygotes.

Submission:

Labcorp Genetics (formerly Invitae), Labcorp
Classification: Uncertain significance. Last evaluated: 2023-10-17. Review status: criteria provided, single submitter. Criteria: Invitae Variant Classification Sherloc (09022015). Collection method: clinical testing. Allele origin: germline.
Comment: This sequence change replaces serine, which is neutral and polar, with isoleucine, which is neutral and non-polar, at codon 269 of the TEK protein (p.Ser269Ile). This variant is present in population databases (rs764047256, gnomAD 0.01%). This variant has not been reported in the literature in individuals affected with TEK-related conditions. Advanced modeling of protein sequence and biophysical properties (such as structural, functional, and spatial information, amino acid conservation, physicochemical variation, residue mobility, and thermodynamic stability) performed at Invitae indicates that this missense variant is not expected to disrupt TEK protein function. In summary, the available evidence is currently insufficient to determine the role of this variant in disease. Therefore, it has been classified as a Variant of Uncertain Significance.